The following is an entry in ClinVar:

ClinVar aggregate classification (germline): Uncertain significance (1 of 4 stars; one submission).

Conditions:
Aicardi-Goutieres syndrome 5. Identifiers: Orphanet 51, MedGen C2749659, MONDO:0013059, OMIM 612952.

Allele frequency attached by ClinVar (database versions not stated): gnomAD exomes below 0.00001; ExAC 0.00001.
gnomAD v4.1: 2 of 1,614,178 alleles (0.00012%); highest among the groups gnomAD compares: Admixed American, 0.0033%; no homozygotes.

Submission:

Labcorp Genetics (formerly Invitae), Labcorp
Classification: Uncertain significance for Aicardi-Goutieres syndrome 5. Last evaluated: 2022-08-22. Review status: criteria provided, single submitter. Criteria: Invitae Variant Classification Sherloc (09022015). Collection method: clinical testing. Allele origin: germline.
Comment: This sequence change replaces glycine, which is neutral and non-polar, with arginine, which is basic and polar, at codon 57 of the SAMHD1 protein (p.Gly57Arg). This variant is present in population databases (rs773200359, gnomAD 0.006%). This variant has not been reported in the literature in individuals affected with SAMHD1-related conditions. Algorithms developed to predict the effect of missense changes on protein structure and function output the following: SIFT: "Tolerated"; PolyPhen-2: "Benign"; Align-GVGD: "Class C0". The arginine amino acid residue is found in multiple mammalian species, which suggests that this missense change does not adversely affect protein function. In summary, the available evidence is currently insufficient to determine the role of this variant in disease. Therefore, it has been classified as a Variant of Uncertain Significance.

NM_015474.4(SAMHD1):c.169G>C (p.Gly57Arg)

Gene: SAMHD1 (SAM and HD domain containing deoxynucleoside triphosphate triphosphohydrolase 1; minus strand). Cytogenetic location: 20q11.23.
Variant type: single nucleotide variant.
Coding change: c.169G>C on transcript NM_015474.4 (MANE Select); coding-DNA position 169, G replaced by C.
Protein change: p.Gly57Arg; replaces glycine 57 with arginine.
Molecular consequence: missense variant.
Genome position (GRCh38, 1-based): chr20:36,951,475, C>G on the plus strand (G>C on the coding strand, the complement: SAMHD1 is on the minus strand). VCF-style: chr20-36951475-C-G. GRCh37 (hg19) VCF-style: chr20-35579878-C-G.
Other names: c.169G>C, p.Gly57Arg (NM_001363729.2, NM_001363733.2); short protein forms G57R.
Identifiers: ClinVar variation 2159700 (VCV002159700.1), dbSNP rs773200359, ClinGen allele CA9844821.
Genomic context (GRCh38, chr20:36,951,475, plus strand): 5'-CAGCCCCTCCGGAGCCGCTACCTCGGATGTTCTTCAGCAGCACCGGCTCTTCAAAGCCAC[C>G]GCGCCTGAGGAAGGAGCACACCTGCTCCGGACCCCATGTCTTGTAGTCGGGATGGAGTTC-3'
Protein context (NP_056289.2, residues 47-67): PEQVCSFLRR[Gly57Arg]GFEEPVLLKN